The following is an entry in ClinVar:

ClinVar aggregate classification (germline): Uncertain significance (1 of 4 stars; one submission).

Conditions:
Inborn genetic diseases. Identifiers: MedGen C0950123, MeSH D030342.

Submission:

Ambry Genetics
Classification: Uncertain significance for Inborn genetic diseases. Last evaluated: 2025-09-07. Review status: criteria provided, single submitter. Criteria: Ambry Variant Classification Scheme 2023. Collection method: clinical testing. Allele origin: germline.
Comment: The p.P647R variant (also known as c.1940C>G), located in coding exon 13 of the ASXL1 gene, results from a C to G substitution at nucleotide position 1940. The proline at codon 647 is replaced by arginine, an amino acid with dissimilar properties. This amino acid position is conserved. In addition, the in silico prediction for this alteration is inconclusive. Based on the available evidence, the clinical significance of this variant remains unclear.

NM_015338.6(ASXL1):c.1940C>G (p.Pro647Arg)

Gene: ASXL1 (ASXL transcriptional regulator 1; plus strand). Cytogenetic location: 20q11.21.
Variant type: single nucleotide variant.
Coding change: c.1940C>G on transcript NM_015338.6 (MANE Select); coding-DNA position 1940, C replaced by G.
Protein change: p.Pro647Arg; replaces proline 647 with arginine.
Molecular consequence: missense variant.
Genome position (GRCh38, 1-based): chr20:32,434,652, C>G. VCF-style: chr20-32434652-C-G. GRCh37 (hg19) VCF-style: chr20-31022455-C-G.
Other names: c.1757C>G, p.Pro586Arg (NM_001363734.1); short protein forms P647R, P586R.
Identifiers: ClinVar variation 4159526 (VCV004159526.1).